The following is an entry in ClinVar:

NM_000540.3(RYR1):c.4532C>T (p.Thr1511Met)

Gene: RYR1 (ryanodine receptor 1; plus strand). Cytogenetic location: 19q13.2.
Variant type: single nucleotide variant.
Coding change: c.4532C>T on transcript NM_000540.3 (MANE Select); coding-DNA position 4532, C replaced by T.
Protein change: p.Thr1511Met; replaces threonine 1511 with methionine.
Molecular consequence: missense variant.
Genome position (GRCh38, 1-based): chr19:38,478,512, C>T. VCF-style: chr19-38478512-C-T. GRCh37 (hg19) VCF-style: chr19-38969152-C-T.
Other names: c.4532C>T, p.Thr1511Met (NM_001042723.2); short protein forms T1511M.
Identifiers: ClinVar variation 1057105 (VCV001057105.8), dbSNP rs746617941, ClinGen allele CA066194.

ClinVar aggregate classification (germline): Uncertain significance. Review status: criteria provided, multiple submitters, no conflicts (2 of 4 stars). 2 submissions from 2 submitters: Uncertain significance (2). Last evaluated 2025-07-18.

Conditions:
Malignant hyperthermia, susceptibility to, 1 (MHS1). Also called: RYR1-Related Malignant Hyperthermia Susceptibility; Anesthesia related hyperthermia; Malignant hyperpyrexia; Fulminating hyperpyrexia; Pharmacogenic myopathy; Malignant hyperthermia suceptibility 1. Identifiers: Orphanet 423, MedGen C2930980, MONDO:0007783, OMIM 145600.
RYR1-related disorder. Also called: RYR1-related disorders; RYR1-related condition. Identifiers: MedGen CN239331.

Allele frequency attached by ClinVar (database versions not stated): gnomAD 0.00001; TOPMed 0.00001; ExAC 0.00002; gnomAD exomes 0.00002.
gnomAD v4.1: 20 of 1,614,054 alleles (0.0012%); highest among the groups gnomAD compares: South Asian, 0.013%; no homozygotes.

Submissions (2):

Color Diagnostics, LLC DBA Color Health
Classification: Uncertain significance for Malignant hyperthermia, susceptibility to, 1. Last evaluated: 2025-07-18. Review status: criteria provided, single submitter. Criteria: ACMG Guidelines, 2015. Collection method: clinical testing. Allele origin: germline.
Comment: This missense variant replaces threonine with methionine at codon 1511 of the RYR1 protein. Computational prediction suggests that this variant may not impact protein structure and function. To our knowledge, functional studies have not been reported for this variant. This variant has not been reported in individuals affected with RYR1-related disorders in the literature. This variant has been identified in 6/251414 chromosomes in the general population by the Genome Aggregation Database (gnomAD). The available evidence is insufficient to determine the role of this variant in disease conclusively. Therefore, this variant is classified as a Variant of Uncertain Significance.

Labcorp Genetics (formerly Invitae), Labcorp
Classification: Uncertain significance for RYR1-related disorder. Last evaluated: 2024-11-22. Review status: criteria provided, single submitter. Criteria: Invitae Variant Classification Sherloc (09022015). Collection method: clinical testing. Allele origin: germline.
Comment: This sequence change replaces threonine, which is neutral and polar, with methionine, which is neutral and non-polar, at codon 1511 of the RYR1 protein (p.Thr1511Met). This variant is present in population databases (rs746617941, gnomAD 0.01%). This variant has not been reported in the literature in individuals affected with RYR1-related conditions. ClinVar contains an entry for this variant (Variation ID: 1057105). Invitae Evidence Modeling of protein sequence and biophysical properties (such as structural, functional, and spatial information, amino acid conservation, physicochemical variation, residue mobility, and thermodynamic stability) indicates that this missense variant is not expected to disrupt RYR1 protein function with a negative predictive value of 80%. In summary, the available evidence is currently insufficient to determine the role of this variant in disease. Therefore, it has been classified as a Variant of Uncertain Significance.